The following is an entry in ClinVar:

ClinVar aggregate classification (germline): Uncertain significance. Review status: criteria provided, multiple submitters, no conflicts (2 of 4 stars). 3 submissions from 3 submitters: Uncertain significance (3). Last evaluated 2025-09-03.

Conditions:
Developmental and epileptic encephalopathy, 42 (DEE42A). Also called: Epileptic encephalopathy, early infantile, 42; DEVELOPMENTAL AND EPILEPTIC ENCEPHALOPATHY 42A; EPILEPTIC ENCEPHALOPATHY, EARLY INFANTILE, 42A. Identifiers: MedGen C4310716, MONDO:0014917, OMIM 617106.
Episodic ataxia type 2 (EA2). Also called: ATAXIA, EPISODIC, WITH NYSTAGMUS; ATAXIA, FAMILIAL PAROXYSMAL; CEREBELLAR ATAXIA, PAROXYSMAL, ACETAZOLAMIDE-RESPONSIVE; CEREBELLOPATHY, HEREDITARY PAROXYSMAL; EPISODIC ATAXIA, NYSTAGMUS-ASSOCIATED; ACETAZOLAMIDE-RESPONSIVE HEREDITARY PAROXYSMAL CEREBELLAR ATAXIA. Identifiers: Orphanet 97, MedGen C1720416, MONDO:0007163, OMIM 108500.

Allele frequency attached by ClinVar (database versions not stated): gnomAD 0.00002; TOPMed 0.00004.
gnomAD v4.1: 30 of 1,395,826 alleles (0.0021%); highest among the groups gnomAD compares: South Asian, 0.0068%; no homozygotes.

Submissions (3):

Labcorp Genetics (formerly Invitae), Labcorp
Classification: Uncertain significance for Developmental and epileptic encephalopathy, 42; Episodic ataxia type 2. Last evaluated: 2025-09-03. Review status: criteria provided, single submitter. Criteria: Invitae Variant Classification Sherloc (09022015). Collection method: clinical testing. Allele origin: germline.
Comment: This sequence change replaces arginine, which is basic and polar, with histidine, which is basic and polar, at codon 2170 of the CACNA1A protein (p.Arg2170His). This variant is not present in population databases (gnomAD no frequency). This variant has not been reported in the literature in individuals affected with CACNA1A-related conditions. ClinVar contains an entry for this variant (Variation ID: 851603). Invitae Evidence Modeling of protein sequence and biophysical properties (such as structural, functional, and spatial information, amino acid conservation, physicochemical variation, residue mobility, and thermodynamic stability) indicates that this missense variant is not expected to disrupt CACNA1A protein function with a negative predictive value of 95%. In summary, the available evidence is currently insufficient to determine the role of this variant in disease. Therefore, it has been classified as a Variant of Uncertain Significance.

Baylor Genetics
Classification: Uncertain significance for Episodic ataxia type 2. Last evaluated: 2023-12-29. Review status: criteria provided, single submitter. Criteria: ACMG Guidelines, 2015. Collection method: clinical testing. Allele origin: unknown.

CeGaT Center for Human Genetics Tuebingen
Classification: Uncertain significance. Last evaluated: 2023-04-01. Review status: criteria provided, single submitter. Criteria: CeGaT Center For Human Genetics Tuebingen Variant Classification Criteria Version 2. Collection method: clinical testing. Allele origin: germline. Affected: yes. Observed: 2 variant alleles.
Comment: CACNA1A: PP2, PP3

NM_001127222.2(CACNA1A):c.6506G>A (p.Arg2169His)

Gene: CACNA1A (calcium voltage-gated channel subunit alpha1 A; minus strand). Cytogenetic location: 19p13.13.
Variant type: single nucleotide variant.
Coding change: c.6506G>A on transcript NM_001127222.2 (MANE Select); coding-DNA position 6506, G replaced by A.
Protein change: p.Arg2169His; replaces arginine 2169 with histidine.
Molecular consequence: missense variant.
Genome position (GRCh38, 1-based): chr19:13,209,332, C>T on the plus strand (G>A on the coding strand, the complement: CACNA1A is on the minus strand). VCF-style: chr19-13209332-C-T. GRCh37 (hg19) VCF-style: chr19-13320146-C-T.
Other names: c.6524G>A, p.Arg2175His (NM_000068.4, NM_023035.3); c.6509G>A, p.Arg2170His (NM_001127221.2); c.6515G>A, p.Arg2172His (NM_001174080.2); short protein forms R2169H, R2170H, R2172H, R2175H.
Identifiers: ClinVar variation 851603 (VCV000851603.33), dbSNP rs1417890059, ClinGen allele CA404330756.